The following is an entry in ClinVar:

ClinVar aggregate classification (germline): Uncertain significance (1 of 4 stars; one submission).

Conditions:
Osteogenesis imperfecta type 11. Also called: OI, TYPE XI; Osteogenesis imperfecta, type XI. Identifiers: Orphanet 666, MedGen C3151218, MONDO:0012592, OMIM 610968.
Bruck syndrome 1 (BRKS1). Also called: ARTHROGRYPOSIS-LIKE DISORDER. Identifiers: Orphanet 1149, Orphanet 2771, MedGen C1850168, MONDO:0009806, OMIM 259450.

Submission:

Juno Genomics, Hangzhou Juno Genomics, Inc
Classification: Uncertain significance for Bruck syndrome 1; Osteogenesis imperfecta type 11. Review status: criteria provided, single submitter. Criteria: ACMG Guidelines, 2015. Collection method: clinical testing. Allele origin: germline.
Comment: Absent from controls (or at extremely low frequency if recessive) in Genome Aggregation Database.;Multiple lines of computational evidence support a deleterious effect on the gene or gene product.

NM_021939.4(FKBP10):c.404C>T (p.Pro135Leu)

Gene: FKBP10 (FKBP prolyl isomerase 10; plus strand). Cytogenetic location: 17q21.2.
Variant type: single nucleotide variant.
Coding change: c.404C>T on transcript NM_021939.4 (MANE Select); coding-DNA position 404, C replaced by T.
Protein change: p.Pro135Leu; replaces proline 135 with leucine.
Molecular consequence: missense variant.
Genome position (GRCh38, 1-based): chr17:41,818,101, C>T. VCF-style: chr17-41818101-C-T. GRCh37 (hg19) VCF-style: chr17-39974353-C-T.
Other names: short protein forms P135L.
Identifiers: ClinVar variation 5005751 (VCV005005751.2).